The following continues an entry in ClinVar:

NM_007294.4(BRCA1):c.4185G>A (p.Gln1395=)

Gene: BRCA1. ClinVar aggregate classification (germline): Pathogenic. Pathogenic (1).

Submissions 10 to 11 of 11:

Breast Cancer Information Core (BIC) (BRCA1)
Classification: Pathogenic for Breast-ovarian cancer, familial 1. Last evaluated: 2002-05-29. Review status: no assertion criteria provided. Collection method: clinical testing. Allele origin: germline. Affected: yes. Observed: 6 variant alleles. Not counted in ClinVar's aggregate classification.

Department of Pathology and Laboratory Medicine, Sinai Health System
Classification: Pathogenic. Review status: no assertion criteria provided. Collection method: clinical testing. Allele origin: unknown. Affected: yes. Study: The Canadian Open Genetics Repository (COGR). Not counted in ClinVar's aggregate classification.
Comment: The BRCA1 p.Gln1395= variant was identified in 21 of 55,604 proband chromosomes (frequency: 0.0004) from individuals or families with hereditary breast and ovarian cancer and was not identified in 22,482 control chromosomes from healthy individuals (Momozawa 2018, Rebbeck 2018, Palmero 2018, Claes 2003, Wappenschmidt 2012, Machackova 2008, Meindl 2002, Gayther 1999, Eccles 1998). The variant was identified in dbSNP (rs80356857) as â€šÃ„Ãºwith pathogenic, uncertain significance alleleâ€šÃ„Ã¹, ClinVar (classified as pathogenic by Ambry Genetics, BIC, Integrated Genetics, CIMBA and Quest Diagnostics), LOVD 3.0 (observed 7x) and UMD-LSDB (observed 2x). This variant was identified in a Czech family in three family members diagnosed with unilateral or bilateral breast cancer in their 40s (Claes 2003). The variant was not identified in the following control databases: the Exome Aggregation Consortium (August 8th 2016) or the Genome Aggregation Database (Feb 27, 2017). The variant occurs in the last base of the exon and 4 of 4 in silico or computational prediction software programs (SpliceSiteFinder, MaxEntScan, NNSPLICE, GeneSplicer) predict a greater than 10% difference in splicing. RT-PCR assays demonstrated that the variant weakens a 3â€šÃ„Ã´ splice site leading to skipping of exon 12 (Claes 2003, Wappenschmidt 2012). Exon 12 skipping is predicted to lead to an out-of-frame deletion, which would result in an absent or truncated protein and loss of BRCA1 function. Loss of function variants of the BRCA1 gene are an established mechanism of disease in hereditary breast and ovarian cancer syndrome and is the type of variant expected to cause the disorder. In summary, based on the above information this variant meets our laboratoryâ€šÃ„Ã´s criteria to be classified as pathogenic.

Literature cited by the submitters: PubMed 31131967 (cited by Evidence-based Network for the Interpretation of Germline Mutant Alleles (ENIGMA) and Labcorp Genetics (formerly Invitae), Labcorp); PubMed 11802209 (cited by Ambry Genetics); PubMed 12759930 (cited by 3 submitters); PubMed 18489799 (cited by Ambry Genetics); PubMed 23239986 (cited by 3 submitters); PubMed 23893897 (cited by Ambry Genetics); PubMed 9649133 (cited by Ambry Genetics and Labcorp Genetics (formerly Invitae), Labcorp); PubMed 7493024 (cited by Labcorp Genetics (formerly Invitae), Labcorp); PubMed 17576681 (cited by Labcorp Genetics (formerly Invitae), Labcorp); PubMed 9536098 (cited by Labcorp Genetics (formerly Invitae), Labcorp); PubMed 29907814 (cited by Women's Health and Genetics/Laboratory Corporation of America, LabCorp); PubMed 16267036 (cited by Women's Health and Genetics/Laboratory Corporation of America, LabCorp); PubMed 15024741 (cited by Breast Cancer Information Core (BIC) (BRCA1)).